The following is an entry in ClinVar:

ClinVar aggregate classification (germline): Benign (1 of 4 stars; one submission).

Conditions:
Hereditary diffuse gastric adenocarcinoma (HDGC). Also called: DIFFUSE GASTRIC AND LOBULAR BREAST CANCER SYNDROME. Identifiers: Orphanet 26106, MedGen C1708349, MONDO:0007648, OMIM 137215.

Submission:

Myriad Genetics, Inc.
Classification: Benign for Hereditary diffuse gastric adenocarcinoma. Last evaluated: 2024-09-12. Review status: criteria provided, single submitter. Criteria: Myriad Autosomal Dominant, Autosomal Recessive and X-Linked Classification Criteria (2023). Collection method: clinical testing. Allele origin: unknown.
Comment: This variant is considered benign. This variant is a silent/synonymous amino acid change and it is not expected to impact splicing.

NM_004360.5(CDH1):c.210C>A (p.Ser70=)

Gene: CDH1 (cadherin 1; plus strand). Cytogenetic location: 16q22.1.
Variant type: single nucleotide variant.
Coding change: c.210C>A on transcript NM_004360.5 (MANE Select); coding-DNA position 210, C replaced by A.
Protein change: p.Ser70=; no amino-acid change (serine 70 retained).
Molecular consequence: synonymous variant. On other transcripts: 5 prime UTR variant (2).
Genome position (GRCh38, 1-based): chr16:68,801,716, C>A. VCF-style: chr16-68801716-C-A. GRCh37 (hg19) VCF-style: chr16-68835619-C-A.
Other names: c.210C>A, p.Ser70= (NM_001317184.2); c.-1406C>A (NM_001317185.2); c.-1610C>A (NM_001317186.2).
Identifiers: ClinVar variation 3379058 (VCV003379058.1).